The following is an entry in ClinVar:

NM_004168.4(SDHA):c.1795-5C>T

Gene: SDHA (succinate dehydrogenase complex flavoprotein subunit A; plus strand). Cytogenetic location: 5p15.33.
Variant type: single nucleotide variant.
Coding change: c.1795-5C>T on transcript NM_004168.4 (MANE Select); 5 bases into the intron before coding-DNA position 1795, C replaced by T.
Molecular consequence: intron variant.
Genome position (GRCh38, 1-based): chr5:254,388, C>T. VCF-style: chr5-254388-C-T. GRCh37 (hg19) VCF-style: chr5-254503-C-T.
Other names: c.1795-5C>T (NM_004168.2); c.1552-5C>T (NM_001330758.2); c.1651-5C>T (NM_001294332.2).
Identifiers: ClinVar variation 809727 (VCV000809727.50), dbSNP rs1169912956, ClinGen allele CA359001569.

ClinVar aggregate classification (germline): Conflicting classifications of pathogenicity. Review status: criteria provided, conflicting classifications (1 of 4 stars). 4 submissions from 4 submitters: Uncertain significance (2); Likely benign (2). Last evaluated 2025-08-20.

Conditions:
Pheochromocytoma/paraganglioma syndrome 5. Also called: SDHA-Related Hereditary Paraganglioma-Pheochromocytoma Syndrome; Paragangliomas 5. Identifiers: Orphanet 29072, MedGen C3279992, MONDO:0013602, OMIM 614165.
Mitochondrial complex II deficiency, nuclear type 1. Also called: SUCCINATE CoQ REDUCTASE DEFICIENCY. Identifiers: Orphanet 3208, MedGen C5700310, MONDO:0100294, OMIM 252011.
Hereditary cancer-predisposing syndrome. Also called: Tumor predisposition; Hereditary neoplastic syndrome; Neoplastic Syndromes, Hereditary; Hereditary Cancer Syndrome. Identifiers: Orphanet 140162, MedGen C0027672, MeSH D009386, MONDO:0015356.

Submissions (4):

Ambry Genetics
Classification: Uncertain significance for Hereditary cancer-predisposing syndrome. Last evaluated: 2025-08-20. Review status: criteria provided, single submitter. Criteria: Ambry Variant Classification Scheme 2023. Collection method: clinical testing. Allele origin: germline.
Comment: The c.1795-5C>T intronic variant results from a C to T substitution 5 nucleotides upstream from coding exon 14 in the SDHA gene. This nucleotide position is not well conserved in available vertebrate species. In silico splice site analysis predicts that this alteration will not have any significant effect on splicing. Based on the available evidence, the clinical significance of this variant remains unclear.

Myriad Genetics, Inc.
Classification: Likely benign for Pheochromocytoma/paraganglioma syndrome 5. Last evaluated: 2025-03-11. Review status: criteria provided, single submitter. Criteria: Myriad Autosomal Dominant, Autosomal Recessive and X-Linked Classification Criteria (2023). Collection method: clinical testing. Allele origin: unknown.
Comment: This variant is considered likely benign. This variant is intronic and is not expected to impact mRNA splicing.

Labcorp Genetics (formerly Invitae), Labcorp
Classification: Likely benign for Pheochromocytoma/paraganglioma syndrome 5; Mitochondrial complex II deficiency, nuclear type 1. Last evaluated: 2020-04-11. Review status: criteria provided, single submitter. Criteria: Invitae Variant Classification Sherloc (09022015). Collection method: clinical testing. Allele origin: germline.

CeGaT Center for Human Genetics Tuebingen
Classification: Uncertain significance. Last evaluated: 2018-02-01. Review status: criteria provided, single submitter. Criteria: CeGaT Center For Human Genetics Tuebingen Variant Classification Criteria Version 2. Collection method: clinical testing. Allele origin: germline. Affected: yes. Observed: 1 variant allele.